The following is an entry in ClinVar:

NM_000548.5(TSC2):c.2639+1G>A

Gene: TSC2 (TSC complex subunit 2; plus strand). Cytogenetic location: 16p13.3.
Variant type: single nucleotide variant.
Coding change: c.2639+1G>A on transcript NM_000548.5 (MANE Select); the canonical splice donor site of the intron after coding-DNA position 2639, G replaced by A.
Molecular consequence: splice donor variant.
Genome position (GRCh38, 1-based): chr16:2,075,893, G>A. VCF-style: chr16-2075893-G-A. GRCh37 (hg19) VCF-style: chr16-2125894-G-A.
Other names: c.1295+1G>A (NM_001406693.1, NM_001406689.1, NM_001406690.1 and 6 more transcripts); c.2729+1G>A (NM_001406667.1, NM_001406668.1); c.2039+1G>A (NM_001406680.1, NM_001406683.1, NM_001406687.1 and 6 more transcripts); c.1037+1G>A (NM_001406698.1); c.2639+1G>A (NM_001114382.3, NM_001406663.1, NM_001406664.1 and 6 more transcripts); c.2627+1G>A (NM_001406671.1, NM_001406673.1); c.2177+1G>A (NM_001406681.1); c.2528+1G>A (NM_001406670.1, NM_001318827.2, NM_001406678.1); and 3 more.
Identifiers: ClinVar variation 207733 (VCV000207733.49), dbSNP rs45517252, ClinGen allele CA319483.
Genomic context (GRCh38, chr16:2,075,893, plus strand): 5'-TGCCGCGGAGCAGTATGCCAGTGTGTTCGCCATCTCCCTGCCGTACACCAACCCCTCCAA[G>A]TGAGTGGTCGCCCCAGGCCCTGTGCCTCCCAGCCGTGGCCCCCGCTAGGCCTTGCGGCAG-3'

ClinVar aggregate classification (germline): Pathogenic. Review status: criteria provided, multiple submitters, no conflicts (2 of 4 stars). 6 submissions from 6 submitters: Pathogenic (6). Last evaluated 2025-10-16.

Conditions:
Tuberous sclerosis 2 (TSC2). Identifiers: Orphanet 805, MedGen C1860707, MONDO:0013199, OMIM 613254.

Submissions (6):

Labcorp Genetics (formerly Invitae), Labcorp
Classification: Pathogenic for Tuberous sclerosis 2. Last evaluated: 2025-10-16. Review status: criteria provided, single submitter. Criteria: Invitae Variant Classification Sherloc (09022015). Collection method: clinical testing. Allele origin: germline.
Comment: This sequence change affects a donor splice site in intron 23 of the TSC2 gene. It is expected to disrupt RNA splicing. Variants that disrupt the donor or acceptor splice site typically lead to a loss of protein function (PMID: 16199547), and loss-of-function variants in TSC2 are known to be pathogenic (PMID: 10205261, 17304050). This variant is not present in population databases (gnomAD no frequency). Disruption of this splice site has been observed in individuals with clinical features of tuberous sclerosis complex (PMID: 11112665, 24075384, 29476190, 29655203, 32340510). ClinVar contains an entry for this variant (Variation ID: 207733). Algorithms developed to predict the effect of sequence changes on RNA splicing suggest that this variant may disrupt the consensus splice site. For these reasons, this variant has been classified as Pathogenic.

3billion
Classification: Pathogenic for Tuberous sclerosis 2. Last evaluated: 2025-03-05. Review status: criteria provided, single submitter. Criteria: ACMG Guidelines, 2015. Collection method: clinical testing. Allele origin: germline. Affected: yes.
Comment: The variant is not observed in the gnomAD v4.1.0 dataset. Predicted Consequence/Location: Canonical splice site: predicted to alter splicing and result in a loss or disruption of normal protein function. Multiple pathogenic loss-of-function variants are reported downstream of the variant. The variant has been reported at least twice as pathogenic with clinical assertions and evidence for the classification (ClinVar ID: VCV000207733 /PMID: 29655203). Therefore, this variant is classified as Pathogenic according to the recommendation of ACMG/AMP guideline.

Athena Diagnostics
Classification: Pathogenic. Last evaluated: 2023-08-21. Review status: criteria provided, single submitter. Criteria: Athena Diagnostics Criteria. Collection method: clinical testing. Allele origin: unknown.
Comment: This variant is expected to severely impact normal RNA splicing, and consequently, protein structure and/or function. This variant has been identified in at least one individual with clinical features associated with this gene. This variant has not been reported in large, multi-ethnic general populations.

Genome-Nilou Lab
Classification: Pathogenic for Tuberous sclerosis 2. Last evaluated: 2021-11-07. Review status: criteria provided, single submitter. Criteria: ACMG Guidelines, 2015. Collection method: clinical testing. Allele origin: germline. Affected: no.

CeGaT Center for Human Genetics Tuebingen
Classification: Pathogenic. Last evaluated: 2020-11-01. Review status: criteria provided, single submitter. Criteria: CeGaT Center For Human Genetics Tuebingen Variant Classification Criteria Version 2. Collection method: clinical testing. Allele origin: germline. Affected: yes. Observed: 1 variant allele.

GeneDx
Classification: Pathogenic. Last evaluated: 2013-12-06. Review status: criteria provided, single submitter. Criteria: GeneDx Variant Classification (06012015). Collection method: clinical testing. Allele origin: germline. Affected: yes.
Comment: c.2639+1 G>A: IVS23+1 G>A in intron 23 of the TSC2 gene (NM_000548.3)The c.2639+1 G>A splice site mutation in the TSC2 gene destroys the canonical splice donor site in intron 23. A different nucleotide substitution at this same position (c.2639+1 G>C) has been previously published in association with tuberous sclerosis (Dabora et al., 2001). The c.2639+1 G>A mutation is predicted to cause abnormal gene splicing, either leading to an abnormal message that is subject to nonsense-mediated mRNA decay, or to an abnormal protein product if the message is used for protein translation. This mutation has not been previously reported to our knowledge. The variant is found in INFANT-EPI panel(s).

Literature cited by the submitters: PubMed 16199547 (cited by Labcorp Genetics (formerly Invitae), Labcorp); PubMed 10205261 (cited by Labcorp Genetics (formerly Invitae), Labcorp); PubMed 17304050 (cited by Labcorp Genetics (formerly Invitae), Labcorp); PubMed 11112665 (cited by Labcorp Genetics (formerly Invitae), Labcorp); PubMed 24075384 (cited by Labcorp Genetics (formerly Invitae), Labcorp); PubMed 29476190 (cited by Labcorp Genetics (formerly Invitae), Labcorp); PubMed 29655203 (cited by 3 submitters); PubMed 32340510 (cited by Labcorp Genetics (formerly Invitae), Labcorp and Athena Diagnostics).